The following is an entry in ClinVar:

NM_003482.4(KMT2D):c.7344C>A (p.Asp2448Glu)

Gene: KMT2D (lysine methyltransferase 2D; minus strand). Cytogenetic location: 12q13.12.
Variant type: single nucleotide variant.
Coding change: c.7344C>A on transcript NM_003482.4 (MANE Select); coding-DNA position 7344, C replaced by A.
Protein change: p.Asp2448Glu; replaces aspartic acid 2448 with glutamic acid.
Molecular consequence: missense variant.
Genome position (GRCh38, 1-based): chr12:49,040,426, G>T on the plus strand (C>A on the coding strand, the complement: KMT2D is on the minus strand). VCF-style: chr12-49040426-G-T. GRCh37 (hg19) VCF-style: chr12-49434209-G-T.
Other names: short protein forms D2448E.
Identifiers: ClinVar variation 4781386 (VCV004781386.1).

ClinVar aggregate classification (germline): Uncertain significance (1 of 4 stars; one submission).

Conditions:
Kabuki syndrome. Also called: NIIKAWA-KUROKI SYNDROME; Kabuki make-up syndrome. Identifiers: Orphanet 2322, MedGen C0796004, MONDO:0016512.

Submission:

Labcorp Genetics (formerly Invitae), Labcorp
Classification: Uncertain significance for Kabuki syndrome. Last evaluated: 2025-12-17. Review status: criteria provided, single submitter. Criteria: Invitae Variant Classification Sherloc (09022015). Collection method: clinical testing. Allele origin: germline.
Comment: This sequence change replaces aspartic acid, which is acidic and polar, with glutamic acid, which is acidic and polar, at codon 2448 of the KMT2D protein (p.Asp2448Glu). This variant is not present in population databases (gnomAD no frequency). This variant has not been reported in the literature in individuals affected with KMT2D-related conditions. Invitae Evidence Modeling of protein sequence and biophysical properties (such as structural, functional, and spatial information, amino acid conservation, physicochemical variation, residue mobility, and thermodynamic stability) indicates that this missense variant is not expected to disrupt KMT2D protein function with a negative predictive value of 95%. In summary, the available evidence is currently insufficient to determine the role of this variant in disease. Therefore, it has been classified as a Variant of Uncertain Significance.